The following is an entry in ClinVar:

NM_201253.3(CRB1):c.2909C>T (p.Thr970Ile)

Gene: CRB1 (crumbs cell polarity complex component 1; plus strand). Cytogenetic location: 1q31.3.
Variant type: single nucleotide variant.
Coding change: c.2909C>T on transcript NM_201253.3 (MANE Select); coding-DNA position 2909, C replaced by T.
Protein change: p.Thr970Ile; replaces threonine 970 with isoleucine.
Molecular consequence: missense variant. On other transcripts: non-coding transcript variant (2), intron variant (1).
Genome position (GRCh38, 1-based): chr1:197,434,772, C>T. VCF-style: chr1-197434772-C-T. GRCh37 (hg19) VCF-style: chr1-197403902-C-T.
Other names: c.2573C>T, p.Thr858Ile (NM_001193640.2); c.2837C>T, p.Thr946Ile (NM_001257965.2); c.2129-828C>T (NM_001257966.2); short protein forms T858I, T946I, T970I.
Identifiers: ClinVar variation 1061323 (VCV001061323.7), dbSNP rs766793013, ClinGen allele CA1312245.

ClinVar aggregate classification (germline): Uncertain significance. Review status: criteria provided, single submitter (1 of 4 stars). 2 submissions from 2 submitters: Uncertain significance (1). 1 of the submissions does not count toward it. Last evaluated 2021-08-31.

Conditions:
Retinitis pigmentosa 12 (RP12). Also called: RP WITH OR WITHOUT PRESERVED PARAARTERIOLE RETINAL PIGMENT EPITHELIUM; RETINITIS PIGMENTOSA WITH OR WITHOUT PARAARTERIOLAR PRESERVATION OF RETINAL PIGMENT EPITHELIUM; RP WITH OR WITHOUT PPRPE. Identifiers: Orphanet 791, MedGen C1838647, MONDO:0010818, OMIM 600105.
Leber congenital amaurosis 8 (LCA8). Identifiers: Orphanet 65, MedGen C3151202, MONDO:0013453, OMIM 613835.
Leber congenital amaurosis (LCA). Also called: Leber's amaurosis. Identifiers: Orphanet 65, MedGen C0339527, MeSH D057130, MONDO:0018998.

Allele frequency attached by ClinVar (database versions not stated): gnomAD exomes below 0.00001; ExAC 0.00001.

Submissions (2):

Labcorp Genetics (formerly Invitae), Labcorp
Classification: Uncertain significance for Leber congenital amaurosis 8; Retinitis pigmentosa 12. Last evaluated: 2021-08-31. Review status: criteria provided, single submitter. Criteria: Invitae Variant Classification Sherloc (09022015). Collection method: clinical testing. Allele origin: germline.
Comment: This sequence change replaces threonine with isoleucine at codon 970 of the CRB1 protein (p.Thr970Ile). The threonine residue is highly conserved and there is a moderate physicochemical difference between threonine and isoleucine. This variant is present in population databases (rs766793013, ExAC 0.009%). This variant has not been reported in the literature in individuals affected with CRB1-related conditions. Algorithms developed to predict the effect of missense changes on protein structure and function are either unavailable or do not agree on the potential impact of this missense change (SIFT: "Deleterious"; PolyPhen-2: "Benign"; Align-GVGD: "Class C65"). In summary, the available evidence is currently insufficient to determine the role of this variant in disease. Therefore, it has been classified as a Variant of Uncertain Significance.

Natera, Inc.
Classification: Uncertain significance for Leber congenital amaurosis. Last evaluated: 2021-05-06. Review status: no assertion criteria provided. Collection method: clinical testing. Allele origin: germline. Not counted in ClinVar's aggregate classification.